The following is an entry in ClinVar:

ClinVar aggregate classification (germline): Uncertain significance (1 of 4 stars; one submission).

Conditions:
TSC2-related disorder. Also called: TSC2-Related Disorders; TSC2-related condition.

Submission:

PreventionGenetics, part of Exact Sciences
Classification: Uncertain significance for TSC2-related condition. Last evaluated: 2025-04-29. Review status: criteria provided, single submitter. Criteria: ACMG Guidelines, 2015. Collection method: clinical testing. Allele origin: germline.
Comment: The TSC2 c.1846G>T variant is predicted to result in the amino acid substitution p.Asp616Tyr. To our knowledge, this variant has not been reported in the literature or in a large population database (gnomAD), indicating this variant is rare. At the time of reporting this variant is absent in ClinVar. At this time, the clinical significance of this variant is uncertain due to the absence of conclusive functional and genetic evidence.

NM_000548.5(TSC2):c.1846G>T (p.Asp616Tyr)

Gene: TSC2 (TSC complex subunit 2; plus strand). Cytogenetic location: 16p13.3.
Variant type: single nucleotide variant.
Coding change: c.1846G>T on transcript NM_000548.5 (MANE Select); coding-DNA position 1846, G replaced by T.
Protein change: p.Asp616Tyr; replaces aspartic acid 616 with tyrosine.
Molecular consequence: missense variant. On other transcripts: non-coding transcript variant (5).
Genome position (GRCh38, 1-based): chr16:2,071,516, G>T. VCF-style: chr16-2071516-G-T. GRCh37 (hg19) VCF-style: chr16-2121517-G-T.
Other names: c.1846G>T, p.Asp616Tyr (NM_001077183.3, NM_001114382.3, NM_001363528.2 and 6 more transcripts); c.1735G>T, p.Asp579Tyr (NM_001318827.2, NM_001406670.1, NM_001406678.1); c.1699G>T, p.Asp567Tyr (NM_001318829.2, NM_001406675.1, NM_001406676.1 and 1 more transcripts); c.1246G>T, p.Asp416Tyr (NM_001318831.2, NM_001406680.1, NM_001406682.1 and 6 more transcripts); c.1879G>T, p.Asp627Tyr (NM_001318832.2); c.1936G>T, p.Asp646Tyr (NM_001406667.1, NM_001406668.1); c.1834G>T, p.Asp612Tyr (NM_001406671.1, NM_001406673.1); c.1789G>T, p.Asp597Tyr (NM_001406677.1); and 3 more; short protein forms D627Y, D168Y, D646Y, D82Y, D567Y, D579Y, D612Y, D616Y.
Identifiers: ClinVar variation 4999391 (VCV004999391.1).
Genomic context (GRCh38, chr16:2,071,516, plus strand): 5'-TGTCCTGGGCCTGCACGAGCTTGGCTCTGGCTTTCACCATCCTCTTCCTGACAGGCCTTT[G>T]ACTTCCTGTTGCTGCTGCGGGCCGACTCACTGCACCGCCTGGGCCTGCCCAACAAGGATG-3'
Protein context (NP_000539.2, residues 606-626): IASSIRLQAF[Asp616Tyr]FLLLLRADSL